The following is an entry in ClinVar:

NM_015272.5(RPGRIP1L):c.590G>C (p.Gly197Ala)

Gene: RPGRIP1L (RPGRIP1 like; minus strand). Cytogenetic location: 16q12.2.
Variant type: single nucleotide variant.
Coding change: c.590G>C on transcript NM_015272.5 (MANE Select); coding-DNA position 590, G replaced by C.
Protein change: p.Gly197Ala; replaces glycine 197 with alanine.
Molecular consequence: missense variant.
Genome position (GRCh38, 1-based): chr16:53,687,905, C>G on the plus strand (G>C on the coding strand, the complement: RPGRIP1L is on the minus strand). VCF-style: chr16-53687905-C-G. GRCh37 (hg19) VCF-style: chr16-53721817-C-G.
Other names: c.590G>C, p.Gly197Ala (NM_001127897.4, NM_001308334.3, NM_001330538.2); short protein forms G197A.
Identifiers: ClinVar variation 2133687 (VCV002133687.4), dbSNP rs2544659046, ClinGen allele CA395924455.

ClinVar aggregate classification (germline): Uncertain significance (1 of 4 stars; one submission).

Conditions:
Joubert syndrome. Also called: CEREBELLOPARENCHYMAL DISORDER IV; JOUBERT-BOLTSHAUSER SYNDROME; Familial aplasia of the vermis. Identifiers: Orphanet 475, MedGen C5979921, MONDO:0018772.
Meckel-Gruber syndrome. Also called: DYSENCEPHALIA SPLANCHNOCYSTICA; GRUBER SYNDROME; Dysencephalia splachnocystica. Identifiers: Orphanet 564, MedGen C0265215, MONDO:0018921.

Submission:

Labcorp Genetics (formerly Invitae), Labcorp
Classification: Uncertain significance for Joubert syndrome; Meckel-Gruber syndrome. Last evaluated: 2022-05-04. Review status: criteria provided, single submitter. Criteria: Invitae Variant Classification Sherloc (09022015). Collection method: clinical testing. Allele origin: germline.
Comment: In summary, the available evidence is currently insufficient to determine the role of this variant in disease. Therefore, it has been classified as a Variant of Uncertain Significance. Algorithms developed to predict the effect of missense changes on protein structure and function (SIFT, PolyPhen-2, Align-GVGD) all suggest that this variant is likely to be tolerated. This variant has not been reported in the literature in individuals affected with RPGRIP1L-related conditions. This variant is not present in population databases (gnomAD no frequency). This sequence change replaces glycine, which is neutral and non-polar, with alanine, which is neutral and non-polar, at codon 197 of the RPGRIP1L protein (p.Gly197Ala).